The following is an entry in ClinVar:

ClinVar aggregate classification (germline): Pathogenic (1 of 4 stars; one submission).

Conditions:
Familial intrahepatic cholestasis. Identifiers: Orphanet 284385, MedGen CN296401, MONDO:0017290.

Submission:

Genomenon, Inc
Classification: Pathogenic for Familial intrahepatic cholestasis. Last evaluated: 2026-04-14. Review status: criteria provided, single submitter. Criteria: Genomenon Sequence Variant Interpretation Standards - Updated. Collection method: curation. Allele origin: germline. Affected: yes.
Comment: ATP8B1 p.Gln492SerfsTer2 (c.1474_1475del) is a frameshift variant that results in the production of a truncated protein which is predicted to undergo nonsense-mediated mRNA decay. This variant has been observed in at least one proband with features of ATP8B1-deficiency (PMID:34543749). It is absent or not present at a significant frequency in gnomAD. In conclusion, we classify ATP8B1 p.Gln492SerfsTer2 (c.1474_1475del) as a pathogenic variant.

Literature cited by the submitters: PubMed 34543749.

NM_001374385.1(ATP8B1):c.1474_1475del (p.Gln492fs)

Gene: ATP8B1 (ATPase phospholipid transporting 8B1; minus strand). Cytogenetic location: 18q21.31.
Variant type: Deletion.
Coding change: c.1474_1475del on transcript NM_001374385.1 (MANE Select); coding-DNA positions 1474 to 1475, 2 bases deleted (CA; older notation c.1474_1475delCA).
Protein change: p.Gln492fs; shifts the reading frame from glutamine 492.
Molecular consequence: frameshift variant.
Genome position (GRCh38, 1-based): chr18:57,684,191-57,684,192, TG deleted on the plus strand (CA on the coding strand, the reverse complement: ATP8B1 is on the minus strand). VCF-style (leftmost placement, unchanged base first): chr18-57684190-TTG-T. GRCh37 (hg19) VCF-style: chr18-55351422-TTG-T.
Other names: c.1324_1325del, p.Gln442fs (NM_001374386.1); c.1474_1475del, p.Gln492fs (NM_005603.6); short protein forms Q442fs, Q492fs.
Identifiers: ClinVar variation 4846269 (VCV004846269.1).